The following is an entry in ClinVar:

ClinVar aggregate classification (germline): Conflicting classifications of pathogenicity. Review status: criteria provided, conflicting classifications (1 of 4 stars). 2 submissions from 2 submitters: Likely pathogenic (1); Uncertain significance (1). Last evaluated 2026-06-18.

Conditions:
EGFR-related lung cancer (EGFR). Identifiers: MedGen CN130014.
Hereditary cancer-predisposing syndrome. Also called: Tumor predisposition; Hereditary Cancer Syndrome; Hereditary neoplastic syndrome; Neoplastic Syndromes, Hereditary. Identifiers: Orphanet 140162, MedGen C0027672, MeSH D009386, MONDO:0015356.

Submissions (2):

Ambry Genetics
Classification: Uncertain significance for Hereditary cancer-predisposing syndrome. Last evaluated: 2026-06-18. Review status: criteria provided, single submitter. Criteria: Ambry Variant Classification Scheme 2023. Collection method: clinical testing. Allele origin: germline.
Comment: The c.3162+1G>T intronic variant results from a G to T substitution one nucleotide after coding exon 26 of the EGFR gene. Variants that disrupt the canonical splice site are expected to result in aberrant splicing. In silico splice site analysis predicts that this alteration will weaken the native splice donor site. A resulting transcript is predicted to be in-frame and is not expected to trigger nonsense-mediated mRNAdecay; although, direct evidence is unavailable. This nucleotide position is highly conserved in available vertebrate species. Based on the available evidence, the clinical significance of this variant remains unclear.

Labcorp Genetics (formerly Invitae), Labcorp
Classification: Likely pathogenic for EGFR-related lung cancer. Last evaluated: 2021-09-22. Review status: criteria provided, single submitter. Criteria: Invitae Variant Classification Sherloc (09022015). Collection method: clinical testing. Allele origin: germline.
Comment: In summary, the currently available evidence indicates that the variant is pathogenic, but additional data are needed to prove that conclusively. Therefore, this variant has been classified as Likely Pathogenic. Algorithms developed to predict the effect of sequence changes on RNA splicing suggest that this variant may disrupt the consensus splice site. This sequence change affects a donor splice site in intron 26 of the EGFR gene. It is expected to disrupt RNA splicing. Variants that disrupt the donor or acceptor splice site typically lead to a loss of protein function (PMID: 16199547), and loss-of-function variants in EGFR are known to be pathogenic (PMID: 7630400, 28726809, 29899996). ClinVar contains an entry for this variant (Variation ID: 1009894). This variant has not been reported in the literature in individuals affected with EGFR-related conditions. This variant is not present in population databases (ExAC no frequency).

Literature cited by the submitters: PubMed 16199547 (cited by Labcorp Genetics (formerly Invitae), Labcorp); PubMed 7630400 (cited by Labcorp Genetics (formerly Invitae), Labcorp); PubMed 28726809 (cited by Labcorp Genetics (formerly Invitae), Labcorp); PubMed 29899996 (cited by Labcorp Genetics (formerly Invitae), Labcorp).

NM_005228.5(EGFR):c.3162+1G>T

Gene: EGFR (epidermal growth factor receptor; plus strand). Cytogenetic location: 7p11.2.
Variant type: single nucleotide variant.
Coding change: c.3162+1G>T on transcript NM_005228.5 (MANE Select); the canonical splice donor site of the intron after coding-DNA position 3162, G replaced by T.
Molecular consequence: splice donor variant.
Genome position (GRCh38, 1-based): chr7:55,201,783, G>T. VCF-style: chr7-55201783-G-T. GRCh37 (hg19) VCF-style: chr7-55269476-G-T.
Other names: c.3162+1G>T (NM_005228.3, NM_001346898.2); c.3027+1G>T (NM_001346899.2, NM_001346897.2); c.2361+1G>T (NM_001346941.2); c.3003+1G>T (NM_001346900.2).
Identifiers: ClinVar variation 1009894 (VCV001009894.8), dbSNP rs1034084415, ClinGen allele CA367583061.